The following is an entry in ClinVar:

NM_003640.5(ELP1):c.730C>G (p.Leu244Val)

Gene: ELP1 (elongator acetyltransferase complex subunit 1; minus strand). Cytogenetic location: 9q31.3.
Variant type: single nucleotide variant.
Coding change: c.730C>G on transcript NM_003640.5 (MANE Select); coding-DNA position 730, C replaced by G.
Protein change: p.Leu244Val; replaces leucine 244 with valine.
Molecular consequence: missense variant. On other transcripts: intron variant (1).
Genome position (GRCh38, 1-based): chr9:108,918,821, G>C on the plus strand (C>G on the coding strand, the complement: ELP1 is on the minus strand). VCF-style: chr9-108918821-G-C. GRCh37 (hg19) VCF-style: chr9-111681101-G-C.
Other names: c.388C>G, p.Leu130Val (NM_001318360.2); c.-307-1151C>G (NM_001330749.2); short protein forms L244V, L130V.
Identifiers: ClinVar variation 3088494 (VCV003088494.3), dbSNP rs200836328, ClinGen allele CA5175261.

ClinVar aggregate classification (germline): Uncertain significance. Review status: criteria provided, multiple submitters, no conflicts (2 of 4 stars). 2 submissions from 2 submitters: Uncertain significance (2). Last evaluated 2024-09-25.

Allele frequency attached by ClinVar (database versions not stated): TOPMed below 0.00001; gnomAD 0.00002; gnomAD exomes 0.00004; ExAC 0.00005; 1000 Genomes Project 30x 0.00016; 1000 Genomes Project 0.00020.
gnomAD v4.1: 53 of 1,613,588 alleles (0.0033%); highest among the groups gnomAD compares: East Asian, 0.12%; no homozygotes.

Submissions (2):

Labcorp Genetics (formerly Invitae), Labcorp
Classification: Uncertain significance. Last evaluated: 2024-09-25. Review status: criteria provided, single submitter. Criteria: Invitae Variant Classification Sherloc (09022015). Collection method: clinical testing. Allele origin: germline.
Comment: This sequence change replaces leucine, which is neutral and non-polar, with valine, which is neutral and non-polar, at codon 244 of the ELP1 protein (p.Leu244Val). This variant is present in population databases (rs200836328, gnomAD 0.06%). This variant has not been reported in the literature in individuals affected with ELP1-related conditions. Invitae Evidence Modeling of protein sequence and biophysical properties (such as structural, functional, and spatial information, amino acid conservation, physicochemical variation, residue mobility, and thermodynamic stability) indicates that this missense variant is not expected to disrupt ELP1 protein function with a negative predictive value of 80%. In summary, the available evidence is currently insufficient to determine the role of this variant in disease. Therefore, it has been classified as a Variant of Uncertain Significance.

Ambry Genetics
Classification: Uncertain significance. Last evaluated: 2023-12-20. Review status: criteria provided, single submitter. Criteria: Ambry Variant Classification Scheme 2023. Collection method: clinical testing. Allele origin: germline.